The following is an entry in ClinVar:

NM_001606.5(ABCA2):c.2917C>T (p.Arg973Cys)

Gene: ABCA2 (ATP binding cassette subfamily A member 2; minus strand). Cytogenetic location: 9q34.3.
Variant type: single nucleotide variant.
Coding change: c.2917C>T on transcript NM_001606.5 (MANE Select); coding-DNA position 2917, C replaced by T.
Protein change: p.Arg973Cys; replaces arginine 973 with cysteine.
Molecular consequence: missense variant.
Genome position (GRCh38, 1-based): chr9:137,016,580, G>A on the plus strand (C>T on the coding strand, the complement: ABCA2 is on the minus strand). VCF-style: chr9-137016580-G-A. GRCh37 (hg19) VCF-style: chr9-139911032-G-A.
Other names: c.2914C>T, p.Arg972Cys (NM_001411042.1); c.3007C>T, p.Arg1003Cys (NM_212533.3); short protein forms R972C, R1003C, R973C.
Identifiers: ClinVar variation 3510526 (VCV003510526.4).

ClinVar aggregate classification (germline): Uncertain significance. Review status: criteria provided, multiple submitters, no conflicts (2 of 4 stars). 3 submissions from 3 submitters: Uncertain significance (3). Last evaluated 2025-11-06.

gnomAD v4.1: 125 of 1,612,010 alleles (0.0078%); highest among the groups gnomAD compares: Middle Eastern, 0.033%; 1 homozygote.

Submissions (3):

Dasa
Classification: Uncertain significance. Last evaluated: 2025-11-06. Review status: criteria provided, single submitter. Criteria: DASA Assertion Criteria. Collection method: clinical testing. Allele origin: germline.
Comment: NM_001606.5(ABCA2):c.2917C>T (p.Arg973Cys) is a missense variant that results in the substitution of arginine with cysteine. This variant is rare in population databases. The currently available literature and clinical evidence are not sufficient to establish a definitive association between this variant and the reported condition. Therefore, this variant is classified as a variant of uncertain significance.

Blueprint Genetics
Classification: Uncertain significance. Last evaluated: 2024-11-11. Review status: criteria provided, single submitter. Criteria: ACMG Guidelines, 2015. Collection method: clinical testing. Allele origin: germline.

Ambry Genetics
Classification: Uncertain significance. Last evaluated: 2024-11-09. Review status: criteria provided, single submitter. Criteria: Ambry Variant Classification Scheme 2023. Collection method: clinical testing. Allele origin: germline.